The following is an entry in ClinVar:

NM_021095.4(SLC5A6):c.1442C>T (p.Ser481Phe)

Gene: SLC5A6 (solute carrier family 5 member 6; minus strand). Cytogenetic location: 2p23.3.
Variant type: single nucleotide variant.
Coding change: c.1442C>T on transcript NM_021095.4 (MANE Select); coding-DNA position 1442, C replaced by T.
Protein change: p.Ser481Phe; replaces serine 481 with phenylalanine.
Molecular consequence: missense variant. On other transcripts: non-coding transcript variant (1).
Genome position (GRCh38, 1-based): chr2:27,201,768, G>A on the plus strand (C>T on the coding strand, the complement: SLC5A6 is on the minus strand). VCF-style: chr2-27201768-G-A. GRCh37 (hg19) VCF-style: chr2-27424636-G-A.
Other names: short protein forms S481F.
Identifiers: ClinVar variation 1256723 (VCV001256723.4), dbSNP rs1395, ClinGen allele CA1571465.

ClinVar aggregate classification (germline): Benign. Review status: criteria provided, multiple submitters, no conflicts (2 of 4 stars). 3 submissions from 3 submitters: Benign (3). Last evaluated 2024-11-26.

Allele frequency attached by ClinVar (database versions not stated): 1000 Genomes Project 30x 0.51968; TOPMed 0.52565; 1000 Genomes Project 0.53255; ESP Exome Variant Server 0.54137; gnomAD 0.54658 and 0.55389; ExAC 0.61928; gnomAD exomes 0.62086 and 0.67379.
gnomAD v4.1: 1,067,529 of 1,613,668 alleles (66%); highest among the groups gnomAD compares: East Asian, 87%; 364,575 homozygotes.

Submissions (3):

Blueprint Genetics
Classification: Benign. Last evaluated: 2024-11-26. Review status: criteria provided, single submitter. Criteria: ACMG Guidelines, 2015. Collection method: clinical testing. Allele origin: germline.

GeneDx
Classification: Benign. Last evaluated: 2020-07-02. Review status: criteria provided, single submitter. Criteria: GeneDx Variant Classification Process June 2021. Collection method: clinical testing. Allele origin: germline. Affected: yes.
Comment: This variant is associated with the following publications: (PMID: 28008009)

Breakthrough Genomics
Classification: Benign. Review status: criteria provided, single submitter. Criteria: ACMG Guidelines, 2015. Collection method: not provided. Allele origin: germline. Inheritance: Autosomal recessive inheritance. Affected: yes.